The following is an entry in ClinVar:

ClinVar aggregate classification (germline): Uncertain significance. Review status: criteria provided, multiple submitters, no conflicts (2 of 4 stars). 2 submissions from 2 submitters: Uncertain significance (2). Last evaluated 2024-03-01.

Conditions:
Pigmentary pallidal degeneration (NBIA1). Also called: HARP SYNDROME; PKAN NEUROAXONAL DYSTROPHY, JUVENILE-ONSET; Pantothenate Kinase-Associated Neurodegeneration; Neuroaxonal dystrophy, late infantile; Hallervorden-Spatz disease; Neurodegeneration with brain iron accumulation 1. Identifiers: Orphanet 157850, MedGen C0018523, MONDO:0009319, OMIM 234200.
Inborn genetic diseases. Identifiers: MedGen C0950123, MeSH D030342.

Allele frequency attached by ClinVar (database versions not stated): gnomAD exomes below 0.00001; gnomAD 0.00001; TOPMed 0.00002.
gnomAD v4.1: 8 of 1,613,982 alleles (0.0005%); highest among the groups gnomAD compares: African/African-American, 0.0067%; no homozygotes.

Submissions (2):

Ambry Genetics
Classification: Uncertain significance for Inborn genetic diseases. Last evaluated: 2024-03-01. Review status: criteria provided, single submitter. Criteria: Ambry Variant Classification Scheme 2023. Collection method: clinical testing. Allele origin: germline.
Comment: The c.1288A>G (p.T430A) alteration is located in exon 4 (coding exon 4) of the PANK2 gene. This alteration results from a A to G substitution at nucleotide position 1288, causing the threonine (T) at amino acid position 430 to be replaced by an alanine (A). Based on data from gnomAD, the G allele has an overall frequency of <0.001% (1/251464) total alleles studied. The highest observed frequency was 0.006% (1/16256) of African alleles. This amino acid position is well conserved in available vertebrate species. This alteration is predicted to be deleterious by in silico analysis. Based on insufficient or conflicting evidence, the clinical significance of this alteration remains unclear.

Labcorp Genetics (formerly Invitae), Labcorp
Classification: Uncertain significance for Pigmentary pallidal degeneration. Last evaluated: 2022-08-16. Review status: criteria provided, single submitter. Criteria: Invitae Variant Classification Sherloc (09022015). Collection method: clinical testing. Allele origin: germline.
Comment: This sequence change replaces threonine, which is neutral and polar, with alanine, which is neutral and non-polar, at codon 430 of the PANK2 protein (p.Thr430Ala). This variant is not present in population databases (gnomAD no frequency). This variant has not been reported in the literature in individuals affected with PANK2-related conditions. ClinVar contains an entry for this variant (Variation ID: 1383145). Algorithms developed to predict the effect of missense changes on protein structure and function (SIFT, PolyPhen-2, Align-GVGD) all suggest that this variant is likely to be tolerated. In summary, the available evidence is currently insufficient to determine the role of this variant in disease. Therefore, it has been classified as a Variant of Uncertain Significance.

NM_001386393.1(PANK2):c.958A>G (p.Thr320Ala)

Gene: PANK2 (pantothenate kinase 2; plus strand). Cytogenetic location: 20p13.
Variant type: single nucleotide variant.
Coding change: c.958A>G on transcript NM_001386393.1 (MANE Select); coding-DNA position 958, A replaced by G.
Protein change: p.Thr320Ala; replaces threonine 320 with alanine.
Molecular consequence: missense variant. On other transcripts: 5 prime UTR variant (1), non-coding transcript variant (1).
Genome position (GRCh38, 1-based): chr20:3,912,510, A>G. VCF-style: chr20-3912510-A-G. GRCh37 (hg19) VCF-style: chr20-3893157-A-G.
Other names: c.415A>G, p.Thr139Ala (NM_001324191.2, NM_024960.6, NM_153640.4); c.-21A>G (NM_001324193.2); c.1288A>G, p.Thr430Ala (NM_153638.4); c.1288A>G (NM_153638.2); short protein forms T139A, T430A, T320A.
Identifiers: ClinVar variation 1383145 (VCV001383145.6), dbSNP rs748901841, ClinGen allele CA311035688.